The following is an entry in ClinVar:

ClinVar aggregate classification (germline): Uncertain significance (1 of 4 stars; one submission).

Conditions:
46,XY sex reversal 9 (SRXY9). Also called: 46,XY SEX REVERSAL, ZFPM2-RELATED. Identifiers: Orphanet 251510, MedGen C4015129, MONDO:0014480, OMIM 616067.

Allele frequency attached by ClinVar (database versions not stated): gnomAD exomes 0.00001; TOPMed 0.00002; gnomAD 0.00003.
gnomAD v4.1: 19 of 1,612,328 alleles (0.0012%); highest among the groups gnomAD compares: African/African-American, 0.004%; no homozygotes.

Submission:

Labcorp Genetics (formerly Invitae), Labcorp
Classification: Uncertain significance for 46,XY sex reversal 9. Last evaluated: 2025-07-14. Review status: criteria provided, single submitter. Criteria: Invitae Variant Classification Sherloc (09022015). Collection method: clinical testing. Allele origin: germline.
Comment: This sequence change replaces aspartic acid, which is acidic and polar, with asparagine, which is neutral and polar, at codon 81 of the ZFPM2 protein (p.Asp81Asn). This variant is present in population databases (no rsID available, gnomAD 0.03%). This variant has not been reported in the literature in individuals affected with ZFPM2-related conditions. ClinVar contains an entry for this variant (Variation ID: 2702531). An algorithm developed to predict the effect of missense changes on protein structure and function (PolyPhen-2) suggests that this variant is likely to be disruptive. In summary, the available evidence is currently insufficient to determine the role of this variant in disease. Therefore, it has been classified as a Variant of Uncertain Significance.

NM_012082.4(ZFPM2):c.241G>A (p.Asp81Asn)

Gene: ZFPM2 (zinc finger protein, FOG family member 2; plus strand). Cytogenetic location: 8q23.1.
Variant type: single nucleotide variant.
Coding change: c.241G>A on transcript NM_012082.4 (MANE Select); coding-DNA position 241, G replaced by A.
Protein change: p.Asp81Asn; replaces aspartic acid 81 with asparagine.
Molecular consequence: missense variant. On other transcripts: 5 prime UTR variant (1).
Genome position (GRCh38, 1-based): chr8:105,444,321, G>A. VCF-style: chr8-105444321-G-A. GRCh37 (hg19) VCF-style: chr8-106456549-G-A.
Other names: c.82G>A, p.Asp28Asn (NM_001362836.2); c.-156G>A (NM_001362837.2); short protein forms D81N, D28N.
Identifiers: ClinVar variation 2702531 (VCV002702531.3), dbSNP rs888264289, ClinGen allele CA183183652.